The following is an entry in ClinVar:

NM_004369.4(COL6A3):c.9234del (p.Lys3078fs)

Gene: COL6A3 (collagen type VI alpha 3 chain; minus strand). Cytogenetic location: 2q37.3.
Variant type: Deletion.
Coding change: c.9234del on transcript NM_004369.4 (MANE Select); coding-DNA position 9234, one base deleted (A; older notation c.9234delA).
Protein change: p.Lys3078fs; shifts the reading frame from lysine 3078.
Molecular consequence: frameshift variant.
Genome position (GRCh38, 1-based): chr2:237,333,544, T deleted on the plus strand (A on the coding strand, the reverse complement: COL6A3 is on the minus strand); the first of 3 consecutive T bases (chr2:237,333,544-237,333,546); deleting any one gives the same sequence. VCF-style (leftmost placement, unchanged base first): chr2-237333543-AT-A. GRCh37 (hg19) VCF-style: chr2-238242186-AT-A.
Other names: c.9232delA, p.Lys3078Asnfs (NM_004369.3); c.7413del, p.Lys2471fs (NM_057166.5); c.8616del, p.Lys2872fs (NM_057167.4); short protein forms K2471fs, K2872fs, K3078fs.
Identifiers: ClinVar variation 2574637 (VCV002574637.2), dbSNP rs2469784497, ClinGen allele CA2580614113.

ClinVar aggregate classification (germline): Likely pathogenic (0 of 4 stars; one submission).

Conditions:
Tip-toe gait. Also called: Toe walking. Identifiers: MedGen C0427144, HP:0030051.

Submission:

Practice for Gait Abnormalities, David Pomarino, Competency Network Toe Walking C/o Practice Pomarino
Classification: Likely pathogenic for Tip-toe gait. Last evaluated: 2022-10-25. Review status: no assertion criteria provided. Collection method: clinical testing. Allele origin: germline. Affected: yes.
Comment: Myopathy refers to diseases that affect skeletal Muscles. These diseases attack muscle fibers, making muscles weak. Inherited myopathies are often caused by inheriting an abnormal gene mutation from a parent that causes the disease. Symptoms of congenital myopathies usually start at birth or in early childhood, but may not appear until the teen years or even later in adulthood. Congenital myopathies are somewhat unique compared with other inherited myopathies, as weakness typically affects all muscles and is often not progressive. Symptoms are: Muscle weakness, most commonly of upper arms and shoulders and thighs, muscle cramps, stiffness and spasms, fatigue with exertion and lack of energy. Our patients all walk on tiptoe, so they show similar symptoms. When we genetically test them with our toe walking panel, we find that around 90 per cent of them have a genetic variant that explains their toe walking. These can be assigned, for example, to the area of myopathies (such as variants of the COL6A3 gene), the area of hereditary neuropathies (such as variants of the KMT2C gene) or the area of metabolic diseases (such as variants of the PYGM gene). In a smaller group of patients with almost identical symptoms, no abnormality is found in the genes of our panel, but spastic paraplegia can be detected. In another small group of our toe walkers, no abnormalities can be detected in the genes analysed in our toe walking panel, nor do they suffer from spastic paraplegia, as is also the case with healthy children. In contrast to these, however, they show a tiptoe gait. These patients suffer from infantile cerebral palsy, in which toe walking can also be observed.

Literature cited by the submitters: PubMed 37091313.